The following is an entry in ClinVar:

ClinVar aggregate classification (germline): Benign/Likely benign. Review status: criteria provided, multiple submitters, no conflicts (2 of 4 stars). 3 submissions from 3 submitters: Benign (1); Likely benign (1). 1 of the submissions does not count toward it. Last evaluated 2024-07-26.

Conditions:
KMT2D-related disorder. Also called: KMT2D-Related Disorders.
Kabuki syndrome. Also called: NIIKAWA-KUROKI SYNDROME; Kabuki make-up syndrome. Identifiers: Orphanet 2322, MedGen C0796004, MONDO:0016512.

Allele frequency attached by ClinVar (database versions not stated): ExAC 0.00001; gnomAD 0.00001; gnomAD exomes 0.00002 and 0.00003.
gnomAD v4.1: 48 of 1,613,794 alleles (0.003%); highest among the groups gnomAD compares: East Asian, 0.0045%; no homozygotes.

Submissions (3):

Labcorp Genetics (formerly Invitae), Labcorp
Classification: Benign for Kabuki syndrome. Last evaluated: 2024-07-26. Review status: criteria provided, single submitter. Criteria: Invitae Variant Classification Sherloc (09022015). Collection method: clinical testing. Allele origin: germline.

GeneDx
Classification: Likely benign. Last evaluated: 2020-01-22. Review status: criteria provided, single submitter. Criteria: GeneDx Variant Classification Process June 2021. Collection method: clinical testing. Allele origin: germline. Affected: yes.

PreventionGenetics, part of Exact Sciences
Classification: Likely benign for KMT2D-related condition. Last evaluated: 2022-02-03. Review status: no assertion criteria provided. Collection method: clinical testing. Allele origin: germline. Not counted in ClinVar's aggregate classification.
Comment: This variant is classified as likely benign based on ACMG/AMP sequence variant interpretation guidelines (Richards et al. 2015 PMID: 25741868, with internal and published modifications).

NM_003482.4(KMT2D):c.3573G>A (p.Pro1191=)

Genes: KMT2D (lysine methyltransferase 2D; minus strand), LOC126861520 (CDK7 strongly-dependent group 2 enhancer GRCh37_chr12:49442744-49443943; plus strand). Cytogenetic location: 12q13.12.
Variant type: single nucleotide variant.
Coding change: c.3573G>A on transcript NM_003482.4 (MANE Select); coding-DNA position 3573, G replaced by A.
Protein change: p.Pro1191=; no amino-acid change (proline 1191 retained).
Molecular consequence: synonymous variant.
Genome position (GRCh38, 1-based): chr12:49,050,015, C>T on the plus strand (G>A on the coding strand, the complement: KMT2D is on the minus strand). VCF-style: chr12-49050015-C-T. GRCh37 (hg19) VCF-style: chr12-49443798-C-T.
Identifiers: ClinVar variation 1212947 (VCV001212947.10), dbSNP rs766243479, ClinGen allele CA6548028.